The following is an entry in ClinVar:

NM_001267550.2(TTN):c.105235G>A (p.Val35079Ile)

Genes: TTN (titin; minus strand), TTN-AS1 (TTN antisense RNA 1; plus strand). Cytogenetic location: 2q31.2.
Variant type: single nucleotide variant.
Coding change: c.105235G>A on transcript NM_001267550.2 (MANE Select); coding-DNA position 105235, G replaced by A.
Protein change: p.Val35079Ile; replaces valine 35079 with isoleucine.
Molecular consequence: missense variant.
Genome position (GRCh38, 1-based): chr2:178,531,380, C>T on the plus strand (G>A on the coding strand, the complement: TTN is on the minus strand). VCF-style: chr2-178531380-C-T. GRCh37 (hg19) VCF-style: chr2-179396107-C-T.
Other names: c.78616G>A, p.Val26206Ile (NM_133437.4); c.100312G>A, p.Val33438Ile (NM_001256850.1); c.78040G>A, p.Val26014Ile (NM_003319.4); c.97531G>A, p.Val32511Ile (NM_133378.4); c.78415G>A, p.Val26139Ile (NM_133432.3); short protein forms V26014I, V26139I, V32511I, V26206I, V33438I, V35079I.
Identifiers: ClinVar variation 1514340 (VCV001514340.6), dbSNP rs751678775, ClinGen allele CA1985288.

ClinVar aggregate classification (germline): Uncertain significance (1 of 4 stars; one submission).

Conditions:
Dilated cardiomyopathy 1G (CMD1G). Identifiers: Orphanet 154, MedGen C1858763, MONDO:0011400, OMIM 604145.
Autosomal recessive limb-girdle muscular dystrophy type 2J (LGMDR10). Also called: Limb-girdle muscular dystrophy, type 2J; MUSCULAR DYSTROPHY, LIMB-GIRDLE, AUTOSOMAL RECESSIVE 10. Identifiers: Orphanet 140922, MedGen C1837342, MONDO:0012127, OMIM 608807.

Allele frequency attached by ClinVar (database versions not stated): gnomAD exomes below 0.00001; ExAC 0.00001.

Submission:

Labcorp Genetics (formerly Invitae), Labcorp
Classification: Uncertain significance for Dilated cardiomyopathy 1G; Autosomal recessive limb-girdle muscular dystrophy type 2J. Last evaluated: 2021-01-03. Review status: criteria provided, single submitter. Criteria: Invitae Variant Classification Sherloc (09022015). Collection method: clinical testing. Allele origin: germline.
Comment: This variant is present in population databases (rs751678775, ExAC 0.01%). This variant is located in the M band of TTN (PMID: 25589632). Variants in this region may be relevant for neuromuscular disorders, but have not been definitively shown to cause cardiomyopathy (PMID: 23975875). In summary, the available evidence is currently insufficient to determine the role of this variant in disease. Therefore, it has been classified as a Variant of Uncertain Significance. Algorithms developed to predict the effect of missense changes on protein structure and function are unavailable for the TTN gene. This variant has not been reported in the literature in individuals with TTN-related conditions. This sequence change replaces valine with isoleucine at codon 35079 of the TTN protein (p.Val35079Ile). There is a small physicochemical difference between valine and isoleucine.

Literature cited by the submitters: PubMed 25589632; PubMed 23975875.